The following is an entry in ClinVar:

ClinVar aggregate classification (germline): Conflicting classifications of pathogenicity. Review status: criteria provided, conflicting classifications (1 of 4 stars). 2 submissions from 2 submitters: Uncertain significance (1); Likely benign (1). Last evaluated 2026-07-01.

Conditions:
Cardiovascular phenotype. Identifiers: MedGen CN230736.

Allele frequency attached by ClinVar (database versions not stated): gnomAD exomes 0.00001; TOPMed 0.00002.
gnomAD v4.1: 10 of 1,614,092 alleles (0.00062%); highest among the groups gnomAD compares: Non-Finnish European, 0.00059%; no homozygotes.

Submissions (2):

CeGaT Center for Human Genetics Tuebingen
Classification: Likely benign. Last evaluated: 2026-07-01. Review status: criteria provided, single submitter. Criteria: CeGaT Center For Human Genetics Tuebingen Variant Classification Criteria Version 2. Collection method: clinical testing. Allele origin: germline. Affected: yes. Observed: 1 variant allele.
Comment: APOB: BP4

Ambry Genetics
Classification: Uncertain significance for Cardiovascular phenotype. Last evaluated: 2023-06-28. Review status: criteria provided, single submitter. Criteria: Ambry Variant Classification Scheme 2023. Collection method: clinical testing. Allele origin: germline.
Comment: The p.K1642R variant (also known as c.4925A>G), located in coding exon 26 of the APOB gene, results from an A to G substitution at nucleotide position 4925. The lysine at codon 1642 is replaced by arginine, an amino acid with highly similar properties. This variant has been detected in a hypertriglyceridemia cohort; however, details were limited (Gill PK et al. J Clin Lipidol, 2021 Nov;15:79-87). This amino acid position is highly conserved in available vertebrate species. In addition, this alteration is predicted to be tolerated by in silico analysis. Since supporting evidence is limited at this time, the clinical significance of this alteration remains unclear.

Literature cited by the submitters: PubMed 33303402 (cited by Ambry Genetics).

NM_000384.3(APOB):c.4925A>G (p.Lys1642Arg)

Gene: APOB (apolipoprotein B; minus strand). Cytogenetic location: 2p24.1.
Variant type: single nucleotide variant.
Coding change: c.4925A>G on transcript NM_000384.3 (MANE Select); coding-DNA position 4925, A replaced by G.
Protein change: p.Lys1642Arg; replaces lysine 1642 with arginine.
Molecular consequence: missense variant.
Genome position (GRCh38, 1-based): chr2:21,011,943, T>C on the plus strand (A>G on the coding strand, the complement: APOB is on the minus strand). VCF-style: chr2-21011943-T-C. GRCh37 (hg19) VCF-style: chr2-21234815-T-C.
Other names: short protein forms K1642R.
Identifiers: ClinVar variation 2593992 (VCV002593992.3), dbSNP rs1046000998, ClinGen allele CA43507612.